The following is an entry in ClinVar:

ClinVar aggregate classification (germline): Uncertain significance (1 of 4 stars; one submission).

Submission:

GeneDx
Classification: Uncertain significance. Last evaluated: 2023-07-24. Review status: criteria provided, single submitter. Criteria: GeneDx Variant Classification Process June 2021. Collection method: clinical testing. Allele origin: germline. Affected: yes.
Comment: Not observed at significant frequency in large population cohorts (gnomAD); In silico analysis supports that this missense variant does not alter protein structure/function; Has not been previously published as pathogenic or benign to our knowledge

NM_005027.4(PIK3R2):c.813C>G (p.Asp271Glu)

Genes: PIK3R2 (phosphoinositide-3-kinase regulatory subunit 2; plus strand), LOC130063979 (ATAC-STARR-seq lymphoblastoid silent region 10375; plus strand). Cytogenetic location: 19p13.11.
Variant type: single nucleotide variant.
Coding change: c.813C>G on transcript NM_005027.4 (MANE Select); coding-DNA position 813, C replaced by G.
Protein change: p.Asp271Glu; replaces aspartic acid 271 with glutamic acid.
Molecular consequence: missense variant. On other transcripts: non-coding transcript variant (1).
Genome position (GRCh38, 1-based): chr19:18,161,493, C>G. VCF-style: chr19-18161493-C-G. GRCh37 (hg19) VCF-style: chr19-18272303-C-G.
Other names: short protein forms D271E.
Identifiers: ClinVar variation 3252715 (VCV003252715.1), dbSNP rs2043745954.